The following is an entry in ClinVar:

ClinVar aggregate classification (germline): Uncertain significance. Review status: criteria provided, multiple submitters, no conflicts (2 of 4 stars). 4 submissions from 4 submitters: Uncertain significance (3). 1 of the submissions does not count toward it. Last evaluated 2025-08-04.

Conditions:
Retinal dystrophy. Also called: Inherited retinal dystrophy. Identifiers: Orphanet 71862, MedGen C0854723, MeSH D058499, MONDO:0019118, HP:0000556.
Jeune thoracic dystrophy. Also called: Jeune syndrome; Infantile thoracic dystrophy; Thoracic pelvic phalangeal dystrophy; Jeune's syndrome; Chondroectodermal dysplasia-like syndrome; Short-rib thoracic dysplasia. Identifiers: Orphanet 474, MedGen C0265275, MONDO:0018770.

Allele frequency attached by ClinVar (database versions not stated): gnomAD 0.00002 and 0.00003; ExAC 0.00003; gnomAD exomes 0.00004 and 0.00008; TOPMed 0.00004; ESP Exome Variant Server 0.00017.
gnomAD v4.1: 127 of 1,611,598 alleles (0.0079%); highest among the groups gnomAD compares: Non-Finnish European, 0.0097%; no homozygotes.

Submissions (4):

GeneDx
Classification: Uncertain significance. Last evaluated: 2025-08-04. Review status: criteria provided, single submitter. Criteria: GeneDx Variant Classification Process June 2021. Collection method: clinical testing. Allele origin: germline. Affected: yes.
Comment: Not observed at significant frequency in large population cohorts (gnomAD); In silico analysis suggests that this missense variant does not alter protein structure/function; Has not been previously published as pathogenic or benign to our knowledge

Blueprint Genetics
Classification: Uncertain significance. Last evaluated: 2024-10-07. Review status: criteria provided, single submitter. Criteria: ACMG Guidelines, 2015. Collection method: clinical testing. Allele origin: germline.

Labcorp Genetics (formerly Invitae), Labcorp
Classification: Uncertain significance for Jeune thoracic dystrophy. Last evaluated: 2021-09-24. Review status: criteria provided, single submitter. Criteria: Invitae Variant Classification Sherloc (09022015). Collection method: clinical testing. Allele origin: germline.
Comment: This sequence change replaces serine with glycine at codon 3970 of the DYNC2H1 protein (p.Ser3970Gly). The serine residue is moderately conserved and there is a small physicochemical difference between serine and glycine. This variant is present in population databases (rs373776864, ExAC 0.006%). This variant has not been reported in the literature in individuals affected with DYNC2H1-related conditions. Advanced modeling of protein sequence and biophysical properties (such as structural, functional, and spatial information, amino acid conservation, physicochemical variation, residue mobility, and thermodynamic stability) performed at Invitae indicates that this missense variant is not expected to disrupt DYNC2H1 protein function. In summary, the available evidence is currently insufficient to determine the role of this variant in disease. Therefore, it has been classified as a Variant of Uncertain Significance.

Institute of Human Genetics, Univ. Regensburg, Univ. Regensburg
Classification: Uncertain significance for Retinal dystrophy. Last evaluated: 2023-01-01. Review status: no assertion criteria provided. Criteria: ACMG Guidelines, 2015. Collection method: clinical testing. Allele origin: germline. Affected: yes. Not counted in ClinVar's aggregate classification.

NM_001377.3(DYNC2H1):c.11887A>G (p.Ser3963Gly)

Gene: DYNC2H1 (dynein cytoplasmic 2 heavy chain 1; plus strand). Cytogenetic location: 11q22.3.
Variant type: single nucleotide variant.
Coding change: c.11887A>G on transcript NM_001377.3 (MANE Select); coding-DNA position 11887, A replaced by G.
Protein change: p.Ser3963Gly; replaces serine 3963 with glycine.
Molecular consequence: missense variant.
Genome position (GRCh38, 1-based): chr11:103,321,190, A>G. VCF-style: chr11-103321190-A-G. GRCh37 (hg19) VCF-style: chr11-103191919-A-G.
Other names: c.11908A>G (NM_001080463.1); c.11908A>G, p.Ser3970Gly (NM_001080463.2); short protein forms S3963G, S3970G.
Identifiers: ClinVar variation 1441231 (VCV001441231.8), dbSNP rs373776864, ClinGen allele CA6255390.